The following is an entry in ClinVar:

NM_003072.5(SMARCA4):c.521A>G (p.Gln174Arg)

Gene: SMARCA4 (SWI/SNF related BAF chromatin remodeling complex subunit ATPase 4; plus strand). Cytogenetic location: 19p13.2.
Variant type: single nucleotide variant.
Coding change: c.521A>G on transcript NM_003072.5 (MANE Select); coding-DNA position 521, A replaced by G.
Protein change: p.Gln174Arg; replaces glutamine 174 with arginine.
Molecular consequence: missense variant. On other transcripts: non-coding transcript variant (1).
Genome position (GRCh38, 1-based): chr19:10,986,354, A>G. VCF-style: chr19-10986354-A-G. GRCh37 (hg19) VCF-style: chr19-11097030-A-G.
Other names: c.521A>G, p.Gln174Arg (NM_001128844.3, NM_001128845.2, NM_001128846.2 and 6 more transcripts); c.521A>G (NM_001128849.1); short protein forms Q174R.
Identifiers: ClinVar variation 3240526 (VCV003240526.2), dbSNP rs2145777014.

ClinVar aggregate classification (germline): Uncertain significance. Review status: criteria provided, multiple submitters, no conflicts (2 of 4 stars). 2 submissions from 2 submitters: Uncertain significance (2). Last evaluated 2025-07-18.

Conditions:
Hereditary cancer-predisposing syndrome. Also called: Neoplastic Syndromes, Hereditary; Tumor predisposition; Hereditary neoplastic syndrome; Hereditary Cancer Syndrome. Identifiers: Orphanet 140162, MedGen C0027672, MeSH D009386, MONDO:0015356.
Rhabdoid tumor predisposition syndrome 2 (RTPS2). Identifiers: Orphanet 231108, Orphanet 69077, MedGen C2750074, MONDO:0013224, OMIM 613325.

Submissions (2):

Ambry Genetics
Classification: Uncertain significance for Hereditary cancer-predisposing syndrome. Last evaluated: 2025-07-18. Review status: criteria provided, single submitter. Criteria: Ambry Variant Classification Scheme 2023. Collection method: clinical testing. Allele origin: germline.
Comment: The p.Q174R variant (also known as c.521A>G), located in coding exon 3 of the SMARCA4 gene, results from an A to G substitution at nucleotide position 521. The glutamine at codon 174 is replaced by arginine, an amino acid with highly similar properties. This amino acid position is conserved. In addition, the in silico prediction for this alteration is inconclusive. Based on the available evidence, the clinical significance of this variant remains unclear.

Baylor Genetics
Classification: Uncertain significance for Rhabdoid tumor predisposition syndrome 2. Last evaluated: 2024-01-23. Review status: criteria provided, single submitter. Criteria: ACMG Guidelines, 2015. Collection method: clinical testing. Allele origin: unknown.